The following is an entry in ClinVar:

ClinVar aggregate classification (germline): Conflicting classifications of pathogenicity. Review status: criteria provided, conflicting classifications (1 of 4 stars). 2 submissions from 2 submitters: Likely pathogenic (1); Uncertain significance (1). Last evaluated 2023-03-31.

Conditions:
GLUT1 deficiency syndrome 1, autosomal recessive. Identifiers: MedGen C3149117.

Submissions (2):

Labcorp Genetics (formerly Invitae), Labcorp
Classification: Uncertain significance for GLUT1 deficiency syndrome 1, autosomal recessive. Last evaluated: 2023-03-31. Review status: criteria provided, single submitter. Criteria: Invitae Variant Classification Sherloc (09022015). Collection method: clinical testing. Allele origin: germline.
Comment: In summary, the available evidence is currently insufficient to determine the role of this variant in disease. Therefore, it has been classified as a Variant of Uncertain Significance. Advanced modeling of protein sequence and biophysical properties (such as structural, functional, and spatial information, amino acid conservation, physicochemical variation, residue mobility, and thermodynamic stability) performed at Invitae indicates that this missense variant is expected to disrupt SLC2A1 protein function. This variant is not present in population databases (gnomAD no frequency). This sequence change replaces leucine, which is neutral and non-polar, with proline, which is neutral and non-polar, at codon 198 of the SLC2A1 protein (p.Leu198Pro). This variant has not been reported in the literature in individuals affected with SLC2A1-related conditions. ClinVar contains an entry for this variant (Variation ID: 1315117).

GeneDx
Classification: Likely pathogenic. Last evaluated: 2022-10-19. Review status: criteria provided, single submitter. Criteria: GeneDx Variant Classification Process June 2021. Collection method: clinical testing. Allele origin: germline. Affected: yes.
Comment: Not observed at significant frequency in large population cohorts (gnomAD); In silico analysis supports that this missense variant has a deleterious effect on protein structure/function; Has not been previously published as pathogenic or benign to our knowledge

NM_006516.4(SLC2A1):c.593T>C (p.Leu198Pro)

Gene: SLC2A1 (solute carrier family 2 member 1; minus strand). Cytogenetic location: 1p34.2.
Variant type: single nucleotide variant.
Coding change: c.593T>C on transcript NM_006516.4 (MANE Select); coding-DNA position 593, T replaced by C.
Protein change: p.Leu198Pro; replaces leucine 198 with proline.
Molecular consequence: missense variant.
Genome position (GRCh38, 1-based): chr1:42,929,959, A>G on the plus strand (T>C on the coding strand, the complement: SLC2A1 is on the minus strand). VCF-style: chr1-42929959-A-G. GRCh37 (hg19) VCF-style: chr1-43395630-A-G.
Other names: short protein forms L198P.
Identifiers: ClinVar variation 1315117 (VCV001315117.7), dbSNP rs2124449372, ClinGen allele CA339958630.